The following is an entry in ClinVar:

ClinVar aggregate classification (germline): Uncertain significance. Review status: criteria provided, multiple submitters, no conflicts (2 of 4 stars). 2 submissions from 2 submitters: Uncertain significance (2). Last evaluated 2024-03-21.

Conditions:
Early-infantile DEE. Also called: Early infantile epileptic encephalopathy; Ohtahara syndrome; Early infantile epileptic encephalopathy with suppression bursts. Identifiers: Orphanet 1934, MedGen C0393706, MONDO:0800491.

Allele frequency attached by ClinVar (database versions not stated): gnomAD 0.00001; gnomAD exomes 0.00001 and 0.00002; TOPMed 0.00002.
gnomAD v4.1: 19 of 1,613,828 alleles (0.0012%); highest among the groups gnomAD compares: Admixed American, 0.0017%; no homozygotes.

Submissions (2):

Labcorp Genetics (formerly Invitae), Labcorp
Classification: Uncertain significance for Early-infantile DEE. Last evaluated: 2024-03-21. Review status: criteria provided, single submitter. Criteria: Invitae Variant Classification Sherloc (09022015). Collection method: clinical testing. Allele origin: germline.
Comment: This sequence change replaces tryptophan, which is neutral and slightly polar, with glycine, which is neutral and non-polar, at codon 2070 of the SPTAN1 protein (p.Trp2070Gly). This variant is present in population databases (rs766038302, gnomAD 0.004%). This variant has not been reported in the literature in individuals affected with SPTAN1-related conditions. ClinVar contains an entry for this variant (Variation ID: 207348). Advanced modeling of protein sequence and biophysical properties (such as structural, functional, and spatial information, amino acid conservation, physicochemical variation, residue mobility, and thermodynamic stability) has been performed at Invitae for this missense variant, however the output from this modeling did not meet the statistical confidence thresholds required to predict the impact of this variant on SPTAN1 protein function. In summary, the available evidence is currently insufficient to determine the role of this variant in disease. Therefore, it has been classified as a Variant of Uncertain Significance.

GeneDx
Classification: Uncertain significance. Last evaluated: 2013-03-14. Review status: criteria provided, single submitter. Criteria: GeneDx Variant Classification (06012015). Collection method: clinical testing. Allele origin: germline. Affected: yes.
Comment: p.Trp2070Gly (TGG>GGG): c.6208 T>G in exon 48 of the SPTAN1 gene (NM_001130438.1) The Trp2070Gly missense change has not been published as a mutation, nor has it been reported as a benign polymorphism to our knowledge. The NHLBI ESP Exome Variant Project has not identified Trp2070Gly in approximately 6,500 individuals of European or African American ethnicity, indicating that it is not a common benign variant in these populations. The amino acid substitution is conservative, as Tryptophan and Glycine are both uncharged, non-polar amino acids. It alters a highly conserved position in the 21st spectrin repeat of the protein, and multiple in silico algorithms predict it may be damaging to protein structure/function. However, all previously reported pathogenic mutations in SPTAN1 are in-frame deletions or duplications, and missense mutations have not been reported in association with epilepsy. Therefore, based on the currently available information, it is unclear whether Trp2070Gly is a disease-causing mutation or a rare benign variant. The variant is found in INFANT-EPI panel(s).

NM_001130438.3(SPTAN1):c.6208T>G (p.Trp2070Gly)

Gene: SPTAN1 (spectrin alpha, non-erythrocytic 1; plus strand). Cytogenetic location: 9q34.11.
Variant type: single nucleotide variant.
Coding change: c.6208T>G on transcript NM_001130438.3 (MANE Select); coding-DNA position 6208, T replaced by G.
Protein change: p.Trp2070Gly; replaces tryptophan 2070 with glycine.
Molecular consequence: missense variant.
Genome position (GRCh38, 1-based): chr9:128,625,907, T>G. VCF-style: chr9-128625907-T-G. GRCh37 (hg19) VCF-style: chr9-131388186-T-G.
Other names: p.W2070G:TGG>GGG; c.6133T>G, p.Trp2045Gly (NM_001195532.2); c.6208T>G, p.Trp2070Gly (NM_001363759.2); c.6148T>G, p.Trp2050Gly (NM_001363765.2); c.6193T>G, p.Trp2065Gly (NM_003127.4); short protein forms W2070G, W2045G, W2050G, W2065G.
Identifiers: ClinVar variation 207348 (VCV000207348.10), dbSNP rs766038302, ClinGen allele CA318726.
Genomic context (GRCh38, chr9:128,625,907, plus strand): 5'-GCCGCCAAACACGTTCAGTCCAAGGCCATCGAGGCCCGGCACGCCTCCCTCATGAAGAGG[T>G]GGAGCCAGCTTCTGGCCAACTCAGCCGCCCGCAAGAAGAAGCTTCTGGAGGCTCAGAGTC-3'
Protein context (NP_001123910.1, residues 2060-2080): EARHASLMKR[Trp2070Gly]SQLLANSAAR